The following is an entry in ClinVar:

ClinVar aggregate classification (germline): Uncertain significance. Review status: criteria provided, multiple submitters, no conflicts (2 of 4 stars). 2 submissions from 2 submitters: Uncertain significance (2). Last evaluated 2023-01-23.

Conditions:
Charcot-Marie-Tooth disease dominant intermediate E. Also called: CHARCOT-MARIE-TOOTH NEUROPATHY WITH FOCAL SEGMENTAL GLOMERULONEPHRITIS. Identifiers: Orphanet 93114, MedGen C4302667, MONDO:0013758, OMIM 614455.
Focal segmental glomerulosclerosis 5 (FSGS5). Identifiers: Orphanet 656, MedGen C2750475, MONDO:0013191, OMIM 613237.

Allele frequency attached by ClinVar (database versions not stated): gnomAD exomes below 0.00001.
gnomAD v4.1: 3 of 1,041,924 alleles (0.00029%); highest among the groups gnomAD compares: Admixed American, 0.0064%; no homozygotes.

Submissions (2):

Labcorp Genetics (formerly Invitae), Labcorp
Classification: Uncertain significance for Charcot-Marie-Tooth disease dominant intermediate E; Focal segmental glomerulosclerosis 5. Last evaluated: 2023-01-23. Review status: criteria provided, single submitter. Criteria: Invitae Variant Classification Sherloc (09022015). Collection method: clinical testing. Allele origin: germline.
Comment: This variant has not been reported in the literature in individuals affected with INF2-related conditions. In summary, the available evidence is currently insufficient to determine the role of this variant in disease. Therefore, it has been classified as a Variant of Uncertain Significance. Advanced modeling of protein sequence and biophysical properties (such as structural, functional, and spatial information, amino acid conservation, physicochemical variation, residue mobility, and thermodynamic stability) has been performed at Invitae for this missense variant, however the output from this modeling did not meet the statistical confidence thresholds required to predict the impact of this variant on INF2 protein function. The frequency data for this variant in the population databases is considered unreliable, as metrics indicate poor data quality at this position in the gnomAD database. This sequence change replaces proline, which is neutral and non-polar, with arginine, which is basic and polar, at codon 464 of the INF2 protein (p.Pro464Arg).

Revvity Omics, Revvity
Classification: Uncertain significance. Last evaluated: 2019-09-09. Review status: criteria provided, single submitter. Criteria: ACMG Guidelines, 2015. Collection method: clinical testing. Allele origin: germline.

NM_022489.4(INF2):c.1391C>G (p.Pro464Arg)

Gene: INF2 (inverted formin 2; plus strand). Cytogenetic location: 14q32.33.
Variant type: single nucleotide variant.
Coding change: c.1391C>G on transcript NM_022489.4 (MANE Select); coding-DNA position 1391, C replaced by G.
Protein change: p.Pro464Arg; replaces proline 464 with arginine.
Molecular consequence: missense variant.
Genome position (GRCh38, 1-based): chr14:104,707,658, C>G. VCF-style: chr14-104707658-C-G. GRCh37 (hg19) VCF-style: chr14-105173995-C-G.
Other names: c.1391C>G, p.Pro464Arg (NM_001031714.4); short protein forms P464R.
Identifiers: ClinVar variation 2432851 (VCV002432851.6), dbSNP rs1372258814, ClinGen allele CA391216836.